The following is an entry in ClinVar:

ClinVar aggregate classification (germline): Benign. Review status: criteria provided, multiple submitters, no conflicts (2 of 4 stars). 7 submissions from 7 submitters: Benign (7). Last evaluated 2026-02-04.

Conditions:
Imerslund-Grasbeck syndrome type 1 (IGS1). Also called: Megaloblastic anemia 1, Finnish type; MEGALOBLASTIC ANEMIA, 1; Imerslund-Gräsbeck syndrome 1. Identifiers: MedGen C4016819, MONDO:0100156, OMIM 261100.
Imerslund-Grasbeck syndrome. Also called: ENTEROCYTE COBALAMIN MALABSORPTION; ENTEROCYTE INTRINSIC FACTOR RECEPTOR, DEFECT OF; Imerslund-Gräsbeck syndrome; PERNICIOUS ANEMIA, JUVENILE, DUE TO SELECTIVE INTESTINAL MALABSORPTION OF VITAMIN B12, WITH PROTEINURIA; Megaloblastic anemia due to inborn errors of metabolism. Identifiers: Orphanet 35858, MedGen C4551825, MONDO:0009853.

Allele frequency attached by ClinVar (database versions not stated): gnomAD exomes 0.81999 and 0.85662; ESP Exome Variant Server 0.84830; ExAC 0.85679; gnomAD 0.85809 and 0.86232; TOPMed 0.86149; 1000 Genomes Project 0.91114; 1000 Genomes Project 30x 0.91131.
gnomAD v4.1: 1,320,021 of 1,600,188 alleles (82%); highest among the groups gnomAD compares: East Asian, 95%; 546,882 homozygotes.

Submissions (7):

Labcorp Genetics (formerly Invitae), Labcorp
Classification: Benign for Imerslund-Grasbeck syndrome. Last evaluated: 2026-02-04. Review status: criteria provided, single submitter. Criteria: Invitae Variant Classification Sherloc (09022015). Collection method: clinical testing. Allele origin: germline.

Blueprint Genetics
Classification: Benign. Last evaluated: 2024-11-27. Review status: criteria provided, single submitter. Criteria: ACMG Guidelines, 2015. Collection method: clinical testing. Allele origin: germline.

Mayo Clinic Laboratories, Mayo Clinic
Classification: Benign. Last evaluated: 2022-03-31. Review status: criteria provided, single submitter. Criteria: ACMG Guidelines, 2015. Collection method: clinical testing. Allele origin: germline. Observed: 245 variant alleles.

Genome-Nilou Lab
Classification: Benign for Imerslund-Grasbeck syndrome type 1. Last evaluated: 2021-07-30. Review status: criteria provided, single submitter. Criteria: ACMG Guidelines, 2015. Collection method: clinical testing. Allele origin: germline. Affected: no.

GeneDx
Classification: Benign. Last evaluated: 2018-07-07. Review status: criteria provided, single submitter. Criteria: GeneDx Variant Classification Process June 2021. Collection method: clinical testing. Allele origin: germline. Affected: yes.

Illumina Laboratory Services, Illumina
Classification: Benign for Imerslund-Grasbeck syndrome type 1. Last evaluated: 2018-01-12. Review status: criteria provided, single submitter. Criteria: ICSL Variant Classification Criteria 13 December 2019. Collection method: clinical testing. Allele origin: germline.
Comment: This variant was observed in the ICSL laboratory as part of a predisposition screen in an ostensibly healthy population. It had not been previously curated by ICSL or reported in the Human Gene Mutation Database (HGMD: prior to June 1st, 2018), and was therefore a candidate for classification through an automated scoring system. Utilizing variant allele frequency, disease prevalence and penetrance estimates, and inheritance mode, an automated score was calculated to assess if this variant is too frequent to cause the disease. Based on the score and internal cut-off values, a variant classified as benign is not then subjected to further curation. The score for this variant resulted in a classification of benign for this disease.

Breakthrough Genomics
Classification: Benign. Review status: criteria provided, single submitter. Criteria: ACMG Guidelines, 2015. Collection method: not provided. Allele origin: germline. Inheritance: Autosomal recessive inheritance. Affected: yes.

NM_001081.4(CUBN):c.2791+9C>T

Gene: CUBN (cubilin; minus strand). Cytogenetic location: 10p13.
Variant type: single nucleotide variant.
Coding change: c.2791+9C>T on transcript NM_001081.4 (MANE Select); 9 bases into the intron after coding-DNA position 2791, C replaced by T.
Molecular consequence: intron variant.
Genome position (GRCh38, 1-based): chr10:17,068,596, G>A on the plus strand (C>T on the coding strand, the complement: CUBN is on the minus strand). VCF-style: chr10-17068596-G-A. GRCh37 (hg19) VCF-style: chr10-17110595-G-A.
Other names: p.?.
Identifiers: ClinVar variation 299498 (VCV000299498.22), dbSNP rs10795440, ClinGen allele CA5424872.